The following is an entry in ClinVar:

NM_003737.4(DCHS1):c.2087C>T (p.Ala696Val)

Gene: DCHS1 (dachsous cadherin-related 1; minus strand). Cytogenetic location: 11p15.4.
Variant type: single nucleotide variant.
Coding change: c.2087C>T on transcript NM_003737.4 (MANE Select); coding-DNA position 2087, C replaced by T.
Protein change: p.Ala696Val; replaces alanine 696 with valine.
Molecular consequence: missense variant.
Genome position (GRCh38, 1-based): chr11:6,633,920, G>A on the plus strand (C>T on the coding strand, the complement: DCHS1 is on the minus strand). VCF-style: chr11-6633920-G-A. GRCh37 (hg19) VCF-style: chr11-6655151-G-A.
Other names: c.2087C>T (NM_003737.2); short protein forms A696V.
Identifiers: ClinVar variation 2066225 (VCV002066225.5), dbSNP rs373288752, ClinGen allele CA5860813.

ClinVar aggregate classification (germline): Uncertain significance. Review status: criteria provided, multiple submitters, no conflicts (2 of 4 stars). 2 submissions from 2 submitters: Uncertain significance (2). Last evaluated 2025-11-28.

Conditions:
Inborn genetic diseases. Identifiers: MedGen C0950123, MeSH D030342.

Allele frequency attached by ClinVar (database versions not stated): gnomAD 0.00001; ExAC 0.00002; TOPMed 0.00002; gnomAD exomes 0.00004; ESP Exome Variant Server 0.00008.
gnomAD v4.1: 60 of 1,613,898 alleles (0.0037%); highest among the groups gnomAD compares: Non-Finnish European, 0.005%; no homozygotes.

Submissions (2):

Labcorp Genetics (formerly Invitae), Labcorp
Classification: Uncertain significance. Last evaluated: 2025-11-28. Review status: criteria provided, single submitter. Criteria: Invitae Variant Classification Sherloc (09022015). Collection method: clinical testing. Allele origin: germline.
Comment: This sequence change replaces alanine, which is neutral and non-polar, with valine, which is neutral and non-polar, at codon 696 of the DCHS1 protein (p.Ala696Val). This variant is present in population databases (rs373288752, gnomAD 0.002%). This variant has not been reported in the literature in individuals affected with DCHS1-related conditions. ClinVar contains an entry for this variant (Variation ID: 2066225). An algorithm developed to predict the effect of missense changes on protein structure and function outputs the following: PolyPhen-2: "Benign". The valine amino acid residue is found in multiple mammalian species, which suggests that this missense change does not adversely affect protein function. In summary, the available evidence is currently insufficient to determine the role of this variant in disease. Therefore, it has been classified as a Variant of Uncertain Significance.

Ambry Genetics
Classification: Uncertain significance for Inborn genetic diseases. Last evaluated: 2025-09-28. Review status: criteria provided, single submitter. Criteria: Ambry Variant Classification Scheme 2023. Collection method: clinical testing. Allele origin: germline.